The following is an entry in ClinVar:

NM_001015877.2(PHF6):c.945A>G (p.Glu315=)

Gene: PHF6 (PHD finger protein 6; plus strand). Cytogenetic location: Xq26.2.
Variant type: single nucleotide variant.
Coding change: c.945A>G on transcript NM_001015877.2 (MANE Select); coding-DNA position 945, A replaced by G.
Protein change: p.Glu315=; no amino-acid change (glutamic acid 315 retained).
Molecular consequence: synonymous variant.
Genome position (GRCh38, 1-based): chrX:134,417,279, A>G. VCF-style: chrX-134417279-A-G. GRCh37 (hg19) VCF-style: chrX-133551309-A-G.
Other names: c.945A>G, p.Glu315= (NM_032458.3).
Identifiers: ClinVar variation 4986791 (VCV004986791.1).

ClinVar aggregate classification (germline): Likely benign (1 of 4 stars; one submission).

Conditions:
PHF6-related disorder. Also called: PHF6-related condition.

Submission:

PreventionGenetics, part of Exact Sciences
Classification: Likely benign for PHF6-related condition. Last evaluated: 2026-07-08. Review status: criteria provided, single submitter. Criteria: ACMG Guidelines, 2015. Collection method: clinical testing. Allele origin: germline.
Comment: This variant is classified as likely benign based on ACMG/AMP sequence variant interpretation guidelines (Richards et al. 2015 PMID: 25741868, with internal and published modifications).